The following is an entry in ClinVar:

ClinVar aggregate classification (germline): Uncertain significance (1 of 4 stars; one submission).

gnomAD v4.1: 6 of 1,614,044 alleles (0.00037%); highest among the groups gnomAD compares: Non-Finnish European, 0.00051%; no homozygotes.

Submission:

Labcorp Genetics (formerly Invitae), Labcorp
Classification: Uncertain significance. Last evaluated: 2024-05-06. Review status: criteria provided, single submitter. Criteria: Invitae Variant Classification Sherloc (09022015). Collection method: clinical testing. Allele origin: germline.
Comment: This sequence change replaces alanine, which is neutral and non-polar, with threonine, which is neutral and polar, at codon 822 of the CYFIP2 protein (p.Ala822Thr). This variant is present in population databases (no rsID available, gnomAD 0.0009%). This variant has not been reported in the literature in individuals affected with CYFIP2-related conditions. Experimental studies and prediction algorithms are not available or were not evaluated, and the functional significance of this variant is currently unknown. In summary, the available evidence is currently insufficient to determine the role of this variant in disease. Therefore, it has been classified as a Variant of Uncertain Significance.

NM_001037333.3(CYFIP2):c.2464G>A (p.Ala822Thr)

Gene: CYFIP2 (cytoplasmic FMR1 interacting protein 2; plus strand). Cytogenetic location: 5q33.3.
Variant type: single nucleotide variant.
Coding change: c.2464G>A on transcript NM_001037333.3 (MANE Select); coding-DNA position 2464, G replaced by A.
Protein change: p.Ala822Thr; replaces alanine 822 with threonine.
Molecular consequence: missense variant.
Genome position (GRCh38, 1-based): chr5:157,339,135, G>A. VCF-style: chr5-157339135-G-A. GRCh37 (hg19) VCF-style: chr5-156766143-G-A.
Other names: c.2386G>A, p.Ala796Thr (NM_001291721.2); c.2539G>A, p.Ala847Thr (NM_001291722.2); c.2464G>A, p.Ala822Thr (NM_014376.4); short protein forms A796T, A847T, A822T.
Identifiers: ClinVar variation 3670669 (VCV003670669.2).